The following is an entry in ClinVar:

ClinVar aggregate classification (germline): Uncertain significance (1 of 4 stars; one submission).

Conditions:
Inborn genetic diseases. Identifiers: MedGen C0950123, MeSH D030342.

Submission:

Ambry Genetics
Classification: Uncertain significance for Inborn genetic diseases. Last evaluated: 2026-08-08. Review status: criteria provided, single submitter. Criteria: Ambry Variant Classification Scheme 2023. Collection method: clinical testing. Allele origin: germline.
Comment: The p.V505A variant (also known as c.1514T>C), located in coding exon 9 of the FANCM gene, results from a T to C substitution at nucleotide position 1514. The valine at codon 505 is replaced by alanine, an amino acid with similar properties. This amino acid position is conserved. In addition, this alteration is predicted to be tolerated by in silico analysis. Based on the available evidence, the clinical significance of this variant remains unclear.

NM_020937.4(FANCM):c.1514T>C (p.Val505Ala)

Gene: FANCM (FA complementation group M; plus strand). Cytogenetic location: 14q21.2.
Variant type: single nucleotide variant.
Coding change: c.1514T>C on transcript NM_020937.4 (MANE Select); coding-DNA position 1514, T replaced by C.
Protein change: p.Val505Ala; replaces valine 505 with alanine.
Molecular consequence: missense variant.
Genome position (GRCh38, 1-based): chr14:45,159,213, T>C. VCF-style: chr14-45159213-T-C. GRCh37 (hg19) VCF-style: chr14-45628416-T-C.
Other names: c.1436T>C, p.Val479Ala (NM_001308133.2); c.1514T>C, p.Val505Ala (NM_001308134.2); short protein forms V505A, V479A.
Identifiers: ClinVar variation 5036667 (VCV005036667.1).